The following is an entry in ClinVar:

NM_020937.4(FANCM):c.224T>G (p.Phe75Cys)

Gene: FANCM (FA complementation group M; plus strand). Cytogenetic location: 14q21.2.
Variant type: single nucleotide variant.
Coding change: c.224T>G on transcript NM_020937.4 (MANE Select); coding-DNA position 224, T replaced by G.
Protein change: p.Phe75Cys; replaces phenylalanine 75 with cysteine.
Molecular consequence: missense variant.
Genome position (GRCh38, 1-based): chr14:45,136,255, T>G. VCF-style: chr14-45136255-T-G. GRCh37 (hg19) VCF-style: chr14-45605458-T-G.
Other names: c.224T>G, p.Phe75Cys (NM_001308133.2, NM_001308134.2); short protein forms F75C.
Identifiers: ClinVar variation 3848496 (VCV003848496.1).

ClinVar aggregate classification (germline): Uncertain significance (1 of 4 stars; one submission).

Conditions:
Inborn genetic diseases. Identifiers: MedGen C0950123, MeSH D030342.

Submission:

Ambry Genetics
Classification: Uncertain significance for Inborn genetic diseases. Last evaluated: 2024-12-14. Review status: criteria provided, single submitter. Criteria: Ambry Variant Classification Scheme 2023. Collection method: clinical testing. Allele origin: germline.
Comment: The p.F75C variant (also known as c.224T>G), located in coding exon 1 of the FANCM gene, results from a T to G substitution at nucleotide position 224. The phenylalanine at codon 75 is replaced by cysteine, an amino acid with highly dissimilar properties. This amino acid position is conserved. In addition, this alteration is predicted to be deleterious by in silico analysis. Based on the available evidence, the clinical significance of this variant remains unclear.